The following is an entry in ClinVar:

NM_000059.4(BRCA2):c.995T>A (p.Ile332Asn)

Gene: BRCA2 (BRCA2 DNA repair associated; plus strand). Cytogenetic location: 13q13.1.
Variant type: single nucleotide variant.
Coding change: c.995T>A on transcript NM_000059.4 (MANE Select); coding-DNA position 995, T replaced by A.
Protein change: p.Ile332Asn; replaces isoleucine 332 with asparagine.
Molecular consequence: missense variant.
Genome position (GRCh38, 1-based): chr13:32,332,473, T>A. VCF-style: chr13-32332473-T-A. GRCh37 (hg19) VCF-style: chr13-32906610-T-A.
Other names: short protein forms I332N.
Identifiers: ClinVar variation 479285 (VCV000479285.18), dbSNP rs1555281682, ClinGen allele CA387761017.

ClinVar aggregate classification (germline): Conflicting classifications of pathogenicity. Review status: criteria provided, conflicting classifications (1 of 4 stars). 5 submissions from 5 submitters: Uncertain significance (3); Likely benign (2). Last evaluated 2024-08-30.

Conditions:
Hereditary cancer-predisposing syndrome. Also called: Tumor predisposition; Neoplastic Syndromes, Hereditary; Hereditary Cancer Syndrome; Hereditary neoplastic syndrome. Identifiers: Orphanet 140162, MedGen C0027672, MeSH D009386, MONDO:0015356.
Hereditary breast ovarian cancer syndrome. Also called: Hereditary breast and ovarian cancer; Breast and ovarian cancer; Hereditary breast and/or ovarian cancer syndrome; Hereditary breast and ovarian cancer syndrome (HBOC); BRCA1- and BRCA2-Associated Hereditary Breast and Ovarian Cancer; Hereditary breast and ovarian cancer syndrome. Identifiers: Orphanet 145, MedGen C0677776, MeSH D061325, MONDO:0003582. Disease mechanism: loss of function.
Breast-ovarian cancer, familial, susceptibility to, 2 (BROVCA2). Also called: BRCA2 Hereditary Breast and Ovarian Cancer. Identifiers: Orphanet 145, MedGen C2675520, MONDO:0012933, OMIM 612555. Disease mechanism: loss of function.

Allele frequency attached by ClinVar (database versions not stated): gnomAD exomes below 0.00001.

Submissions (5):

Ambry Genetics
Classification: Uncertain significance for Hereditary cancer-predisposing syndrome. Last evaluated: 2024-08-30. Review status: criteria provided, single submitter. Criteria: Ambry Variant Classification Scheme 2023. Collection method: clinical testing. Allele origin: germline.
Comment: The p.I332N variant (also known as c.995T>A), located in coding exon 9 of the BRCA2 gene, results from a T to A substitution at nucleotide position 995. The isoleucine at codon 332 is replaced by asparagine, an amino acid with dissimilar properties. This amino acid position is not well conserved in available vertebrate species. In addition, this alteration is predicted to be tolerated by in silico analysis. Since supporting evidence is limited at this time, the clinical significance of this alteration remains unclear.

Myriad Genetics, Inc.
Classification: Likely benign for Breast-ovarian cancer, familial, susceptibility to, 2. Last evaluated: 2024-05-14. Review status: criteria provided, single submitter. Criteria: Myriad Autosomal Dominant, Autosomal Recessive and X-Linked Classification Criteria (2023). Collection method: clinical testing. Allele origin: unknown.
Comment: This variant is considered likely benign. This variant is strongly associated with less severe personal and family histories of cancer, typical for individuals without pathogenic variants in this gene [PMID: 25085752].

University of Washington Department of Laboratory Medicine, University of Washington
Classification: Likely benign for Hereditary cancer-predisposing syndrome. Last evaluated: 2023-03-23. Review status: criteria provided, single submitter. Criteria: Dines et al. (Genet Med. 2020). Collection method: curation. Allele origin: germline.
Comment: Missense variant in a coldspot region where missense variants are very unlikely to be pathogenic (PMID:31911673).

BRCA2 exon 10 coldspot. Reclassification based on statistical prior probability.

Labcorp Genetics (formerly Invitae), Labcorp
Classification: Uncertain significance for Hereditary breast ovarian cancer syndrome. Last evaluated: 2022-01-18. Review status: criteria provided, single submitter. Criteria: Invitae Variant Classification Sherloc (09022015). Collection method: clinical testing. Allele origin: germline.
Comment: In summary, the available evidence is currently insufficient to determine the role of this variant in disease. Therefore, it has been classified as a Variant of Uncertain Significance. Advanced modeling of protein sequence and biophysical properties (such as structural, functional, and spatial information, amino acid conservation, physicochemical variation, residue mobility, and thermodynamic stability) performed at Invitae indicates that this missense variant is not expected to disrupt BRCA2 protein function. ClinVar contains an entry for this variant (Variation ID: 479285). This variant has not been reported in the literature in individuals affected with BRCA2-related conditions. This variant is not present in population databases (gnomAD no frequency). This sequence change replaces isoleucine, which is neutral and non-polar, with asparagine, which is neutral and polar, at codon 332 of the BRCA2 protein (p.Ile332Asn).

Color Diagnostics, LLC DBA Color Health
Classification: Uncertain significance for Hereditary cancer-predisposing syndrome. Last evaluated: 2019-05-29. Review status: criteria provided, single submitter. Criteria: ACMG Guidelines, 2015. Collection method: clinical testing. Allele origin: germline.

Literature cited by the submitters: PubMed 25085752 (cited by Myriad Genetics, Inc.).